The following is an entry in ClinVar:

ClinVar aggregate classification (germline): Uncertain significance (1 of 4 stars; one submission).

Conditions:
Neurofibromatosis, type 1 (NF1). Also called: VON RECKLINGHAUSEN DISEASE; NEUROFIBROMATOSIS, TYPE I, SOMATIC; Neurofibromatosis, type I; Peripheral type neurofibromatosis. Identifiers: Orphanet 636, MedGen C0027831, MONDO:0018975, OMIM 162200. Disease mechanism: loss of function.

Submission:

Labcorp Genetics (formerly Invitae), Labcorp
Classification: Uncertain significance for Neurofibromatosis, type 1. Last evaluated: 2024-07-25. Review status: criteria provided, single submitter. Criteria: Invitae Variant Classification Sherloc (09022015). Collection method: clinical testing. Allele origin: germline.
Comment: This sequence change replaces arginine, which is basic and polar, with glycine, which is neutral and non-polar, at codon 1849 of the NF1 protein (p.Arg1849Gly). This variant is not present in population databases (gnomAD no frequency). This variant has not been reported in the literature in individuals affected with NF1-related conditions. ClinVar contains an entry for this variant (Variation ID: 2032403). An algorithm developed to predict the effect of missense changes on protein structure and function (PolyPhen-2) suggests that this variant is likely to be disruptive. In summary, the available evidence is currently insufficient to determine the role of this variant in disease. Therefore, it has been classified as a Variant of Uncertain Significance.

NM_001042492.3(NF1):c.5608C>G (p.Arg1870Gly)

Gene: NF1 (neurofibromin 1; plus strand). Cytogenetic location: 17q11.2.
Variant type: single nucleotide variant.
Coding change: c.5608C>G on transcript NM_001042492.3 (MANE Select); coding-DNA position 5608, C replaced by G.
Protein change: p.Arg1870Gly; replaces arginine 1870 with glycine.
Molecular consequence: missense variant.
Genome position (GRCh38, 1-based): chr17:31,327,838, C>G. VCF-style: chr17-31327838-C-G. GRCh37 (hg19) VCF-style: chr17-29654856-C-G.
Other names: c.5545C>G, p.Arg1849Gly (NM_000267.4); short protein forms R1870G, R1849G.
Identifiers: ClinVar variation 2032403 (VCV002032403.4), dbSNP rs1049849034, ClinGen allele CA399010074.